The following is an entry in ClinVar:

NM_001372044.2(SHANK3):c.2849C>T (p.Ala950Val)

Gene: SHANK3 (SH3 and multiple ankyrin repeat domains 3; plus strand). Cytogenetic location: 22q13.33.
Variant type: single nucleotide variant.
Coding change: c.2849C>T on transcript NM_001372044.2 (MANE Select); coding-DNA position 2849, C replaced by T.
Protein change: p.Ala950Val; replaces alanine 950 with valine.
Molecular consequence: missense variant.
Genome position (GRCh38, 1-based): chr22:50,720,457, C>T. VCF-style: chr22-50720457-C-T. GRCh37 (hg19) VCF-style: chr22-51158885-C-T.
Other names: c.2624C>T, p.Ala875Val (NM_033517.1); short protein forms A950V, A875V.
Identifiers: ClinVar variation 2380553 (VCV002380553.22), dbSNP rs1326735946, ClinGen allele CA14963183.

ClinVar aggregate classification (germline): Conflicting classifications of pathogenicity. Review status: criteria provided, conflicting classifications (1 of 4 stars). 2 submissions from 2 submitters: Uncertain significance (1); Likely benign (1). Last evaluated 2024-04-01.

Conditions:
Inborn genetic diseases. Identifiers: MedGen C0950123, MeSH D030342.

Allele frequency attached by ClinVar (database versions not stated): gnomAD exomes 0.00001; gnomAD 0.00006; TOPMed 0.00009; 1000 Genomes Project 30x 0.00031.

Submissions (2):

CeGaT Center for Human Genetics Tuebingen
Classification: Likely benign. Last evaluated: 2024-04-01. Review status: criteria provided, single submitter. Criteria: CeGaT Center For Human Genetics Tuebingen Variant Classification Criteria Version 2. Collection method: clinical testing. Allele origin: germline. Affected: yes. Observed: 1 variant allele.
Comment: SHANK3: BS2

Ambry Genetics
Classification: Uncertain significance for Inborn genetic diseases. Last evaluated: 2021-06-30. Review status: criteria provided, single submitter. Criteria: Ambry Variant Classification Scheme 2023. Collection method: clinical testing. Allele origin: germline.